The following is an entry in ClinVar:

ClinVar aggregate classification (germline): Uncertain significance. Review status: criteria provided, multiple submitters, no conflicts (2 of 4 stars). 2 submissions from 2 submitters: Uncertain significance (2). Last evaluated 2025-08-11.

Conditions:
Cardiovascular phenotype. Identifiers: MedGen CN230736.
Brugada syndrome 8 (BRGDA8). Identifiers: Orphanet 130, MedGen C2751083, MONDO:0013148, OMIM 613123.

Allele frequency attached by ClinVar (database versions not stated): TOPMed 0.00002.
gnomAD v4.1: 61 of 1,497,780 alleles (0.0041%); highest among the groups gnomAD compares: Non-Finnish European, 0.005%; no homozygotes.

Submissions (2):

Labcorp Genetics (formerly Invitae), Labcorp
Classification: Uncertain significance for Brugada syndrome 8. Last evaluated: 2025-08-11. Review status: criteria provided, single submitter. Criteria: Invitae Variant Classification Sherloc (09022015). Collection method: clinical testing. Allele origin: germline.
Comment: This sequence change replaces proline, which is neutral and non-polar, with serine, which is neutral and polar, at codon 58 of the HCN4 protein (p.Pro58Ser). This variant is present in population databases (no rsID available, gnomAD 0.01%). This variant has not been reported in the literature in individuals affected with HCN4-related conditions. ClinVar contains an entry for this variant (Variation ID: 972141). Invitae Evidence Modeling of protein sequence and biophysical properties (such as structural, functional, and spatial information, amino acid conservation, physicochemical variation, residue mobility, and thermodynamic stability) indicates that this missense variant is not expected to disrupt HCN4 protein function with a negative predictive value of 95%. In summary, the available evidence is currently insufficient to determine the role of this variant in disease. Therefore, it has been classified as a Variant of Uncertain Significance.

Ambry Genetics
Classification: Uncertain significance for Cardiovascular phenotype. Last evaluated: 2024-10-14. Review status: criteria provided, single submitter. Criteria: Ambry Variant Classification Scheme 2023. Collection method: clinical testing. Allele origin: germline.
Comment: The p.P58S variant (also known as c.172C>T), located in coding exon 1 of the HCN4 gene, results from a C to T substitution at nucleotide position 172. The proline at codon 58 is replaced by serine, an amino acid with similar properties. This amino acid position is not well conserved in available vertebrate species. In addition, the in silico prediction for this alteration is inconclusive. Since supporting evidence is limited at this time, the clinical significance of this alteration remains unclear.

NM_005477.3(HCN4):c.172C>T (p.Pro58Ser)

Gene: HCN4 (hyperpolarization activated cyclic nucleotide gated potassium channel 4; minus strand). Cytogenetic location: 15q24.1.
Variant type: single nucleotide variant.
Coding change: c.172C>T on transcript NM_005477.3 (MANE Select); coding-DNA position 172, C replaced by T.
Protein change: p.Pro58Ser; replaces proline 58 with serine.
Molecular consequence: missense variant.
Genome position (GRCh38, 1-based): chr15:73,368,099, G>A on the plus strand (C>T on the coding strand, the complement: HCN4 is on the minus strand). VCF-style: chr15-73368099-G-A. GRCh37 (hg19) VCF-style: chr15-73660440-G-A.
Other names: short protein forms P58S.
Identifiers: ClinVar variation 972141 (VCV000972141.13), dbSNP rs1029043200, ClinGen allele CA272700504.